The following is an entry in ClinVar:

ClinVar aggregate classification (germline): Likely pathogenic (1 of 4 stars; one submission).

Conditions:
Linear skin defects with multiple congenital anomalies 1 (LSDMCA1). Also called: MLS syndrome; Microphthalmia with Linear Skin Defects Syndrome; MIDAS SYNDROME. Identifiers: Orphanet 2556, MedGen C0796070, MONDO:0024552, OMIM 309801.

Submission:

Genomics, Genetics and Epigenetics Laboratory, Medical College of Wisconsin
Classification: Likely pathogenic for Linear skin defects with multiple congenital anomalies 1. Last evaluated: 2024-11-12. Review status: criteria provided, single submitter. Criteria: ACMG Guidelines, 2015. Collection method: research. Allele origin: unknown. Affected: yes.
Comment: The NM_005333.5:c.715C>T generates a premature stop codon with the truncated transcript missing the final domain, important for folding and stability of the protein. Similar truncating alleles are reported in other individuals with MLS. The variant is absent in gnomAD v4.1.0.

NM_005333.5(HCCS):c.715C>T (p.Gln239Ter)

Gene: HCCS (holocytochrome c synthase; plus strand). Cytogenetic location: Xp22.2.
Variant type: single nucleotide variant.
Coding change: c.715C>T on transcript NM_005333.5 (MANE Select); coding-DNA position 715, C replaced by T.
Protein change: p.Gln239Ter; replaces glutamine 239 with a stop codon.
Molecular consequence: nonsense.
Genome position (GRCh38, 1-based): chrX:11,121,718, C>T. VCF-style: chrX-11121718-C-T. GRCh37 (hg19) VCF-style: chrX-11139838-C-T.
Other names: c.715C>T, p.Gln239Ter (NM_001122608.3, NM_001171991.3); short protein forms Q239*.
Identifiers: ClinVar variation 3390918 (VCV003390918.1).